The following is an entry in ClinVar:

NM_152419.2(HGSNAT):c.-174G>A

Genes: HGSNAT (heparan-alpha-glucosaminide N-acetyltransferase; plus strand), LOC130000316 (ATAC-STARR-seq lymphoblastoid silent region 19164; plus strand). Cytogenetic location: 8p11.21.
Variant type: single nucleotide variant.
Coding change: c.-174G>A on transcript NM_152419.2; 174 bases upstream of the start codon, G replaced by A.
Genome position (GRCh38, 1-based): chr8:43,140,323, G>A. VCF-style: chr8-43140323-G-A. GRCh37 (hg19) VCF-style: chr8-42995466-G-A.
Identifiers: ClinVar variation 674251 (VCV000674251.4), dbSNP rs149596192, ClinGen allele CA176095635.

ClinVar aggregate classification (germline): Benign. Review status: criteria provided, multiple submitters, no conflicts (2 of 4 stars). 2 submissions from 2 submitters: Benign (2). Last evaluated 2018-06-19.

Allele frequency attached by ClinVar (database versions not stated): 1000 Genomes Project 30x 0.00781; 1000 Genomes Project 0.00739; TOPMed 0.01116; gnomAD exomes 0.01477; gnomAD 0.01546 and 0.01584.

Submissions (2):

GeneDx
Classification: Benign. Last evaluated: 2018-06-19. Review status: criteria provided, single submitter. Criteria: GeneDx Variant Classification (06012015). Collection method: clinical testing. Allele origin: germline. Affected: yes.
Comment: This variant is considered likely benign or benign based on one or more of the following criteria: it is a conservative change, it occurs at a poorly conserved position in the protein, it is predicted to be benign by multiple in silico algorithms, and/or has population frequency not consistent with disease.

Breakthrough Genomics
Classification: Benign. Review status: criteria provided, single submitter. Criteria: ACMG Guidelines, 2015. Collection method: not provided. Allele origin: germline. Inheritance: Autosomal recessive inheritance. Affected: yes.